The following is an entry in ClinVar:

ClinVar aggregate classification (germline): Uncertain significance. Review status: criteria provided, multiple submitters, no conflicts (2 of 4 stars). 2 submissions from 2 submitters: Uncertain significance (2). Last evaluated 2025-03-31.

Conditions:
Cardiovascular phenotype. Identifiers: MedGen CN230736.

Allele frequency attached by ClinVar (database versions not stated): TOPMed below 0.00001; 1000 Genomes Project 0.00020; 1000 Genomes Project 30x 0.00016.
gnomAD v4.1: 5 of 1,614,112 alleles (0.00031%); highest among the groups gnomAD compares: South Asian, 0.0044%; no homozygotes.

Submissions (2):

Ambry Genetics
Classification: Uncertain significance for Cardiovascular phenotype. Last evaluated: 2025-03-31. Review status: criteria provided, single submitter. Criteria: Ambry Variant Classification Scheme 2023. Collection method: clinical testing. Allele origin: germline.
Comment: The p.K1485N variant (also known as c.4455G>C), located in coding exon 29 of the MYH6 gene, results from a G to C substitution at nucleotide position 4455. The lysine at codon 1485 is replaced by asparagine, an amino acid with similar properties. This amino acid position is conserved. In addition, the in silico prediction for this alteration is inconclusive. Based on the available evidence, the clinical significance of this variant remains unclear.

GeneDx
Classification: Uncertain significance. Last evaluated: 2024-07-30. Review status: criteria provided, single submitter. Criteria: GeneDx Variant Classification Process June 2021. Collection method: clinical testing. Allele origin: germline. Affected: yes.
Comment: Not observed at significant frequency in large population cohorts (gnomAD); In silico analysis supports that this missense variant has a deleterious effect on protein structure/function; Has not been previously published as pathogenic or benign to our knowledge

NM_002471.4(MYH6):c.4455G>C (p.Lys1485Asn)

Gene: MYH6 (myosin heavy chain 6; minus strand). Cytogenetic location: 14q11.2.
Variant type: single nucleotide variant.
Coding change: c.4455G>C on transcript NM_002471.4 (MANE Select); coding-DNA position 4455, G replaced by C.
Protein change: p.Lys1485Asn; replaces lysine 1485 with asparagine.
Molecular consequence: missense variant.
Genome position (GRCh38, 1-based): chr14:23,387,828, C>G on the plus strand (G>C on the coding strand, the complement: MYH6 is on the minus strand). VCF-style: chr14-23387828-C-G. GRCh37 (hg19) VCF-style: chr14-23857037-C-G.
Other names: short protein forms K1485N.
Identifiers: ClinVar variation 2379320 (VCV002379320.4), dbSNP rs376316942, ClinGen allele CA7114761.